The following is an entry in ClinVar:

NM_002382.5(MAX):c.387C>A (p.Ser129Arg)

Gene: MAX (MYC associated transcriptional regulator X; minus strand). Cytogenetic location: 14q23.3.
Variant type: single nucleotide variant.
Coding change: c.387C>A on transcript NM_002382.5 (MANE Select); coding-DNA position 387, C replaced by A.
Protein change: p.Ser129Arg; replaces serine 129 with arginine.
Molecular consequence: missense variant. On other transcripts: 3 prime UTR variant (1), intron variant (2).
Genome position (GRCh38, 1-based): chr14:65,076,572, G>T on the plus strand (C>A on the coding strand, the complement: MAX is on the minus strand). VCF-style: chr14-65076572-G-T. GRCh37 (hg19) VCF-style: chr14-65543290-G-T.
Other names: c.198C>A, p.Ser66Arg (NM_001320415.2, NM_001407105.1, NM_001407106.1 and 1 more transcripts); c.387C>A, p.Ser129Arg (NM_001407094.1); c.360C>A, p.Ser120Arg (NM_001407095.1, NM_145112.3); c.*160C>A (NM_001407096.1, NM_001407099.1, NM_001407102.1 and 2 more transcripts); c.*176C>A (NM_001407097.1, NM_145113.3, NM_001407100.1 and 4 more transcripts); c.279C>A, p.Ser93Arg (NM_001407098.1); c.186C>A, p.Ser62Arg (NM_001407112.1, NM_001407111.1); c.144+17136C>A (NM_001271069.2); and 1 more; short protein forms S66R, S120R, S129R, S62R, S93R.
Identifiers: ClinVar variation 1482566 (VCV001482566.7), dbSNP rs2063062162, ClinGen allele CA390031646.

ClinVar aggregate classification (germline): Uncertain significance (1 of 4 stars; one submission).

Conditions:
Hereditary pheochromocytoma and paraganglioma. Also called: Hereditary paragangliomas and pheochromocytomas; Hereditary Paraganglioma-Pheochromocytoma Syndromes; Hereditary pheochromocytoma-paraganglioma. Identifiers: Orphanet 29072, MedGen C4274332, MONDO:0017366.

Submission:

Labcorp Genetics (formerly Invitae), Labcorp
Classification: Uncertain significance for Hereditary pheochromocytoma and paraganglioma. Last evaluated: 2021-10-17. Review status: criteria provided, single submitter. Criteria: Invitae Variant Classification Sherloc (09022015). Collection method: clinical testing. Allele origin: germline.
Comment: In summary, the available evidence is currently insufficient to determine the role of this variant in disease. Therefore, it has been classified as a Variant of Uncertain Significance. Algorithms developed to predict the effect of missense changes on protein structure and function are either unavailable or do not agree on the potential impact of this missense change (SIFT: "Deleterious"; PolyPhen-2: "Benign"; Align-GVGD: "Class C0"). This variant has not been reported in the literature in individuals affected with MAX-related conditions. This variant is not present in population databases (ExAC no frequency). This sequence change replaces serine with arginine at codon 129 of the MAX protein (p.Ser129Arg). The serine residue is moderately conserved and there is a moderate physicochemical difference between serine and arginine.